The following is an entry in ClinVar:

ClinVar aggregate classification (germline): Likely benign (1 of 4 stars; one submission).

Submission:

CeGaT Center for Human Genetics Tuebingen
Classification: Likely benign. Last evaluated: 2025-01-01. Review status: criteria provided, single submitter. Criteria: CeGaT Center For Human Genetics Tuebingen Variant Classification Criteria Version 2. Collection method: clinical testing. Allele origin: germline. Affected: yes. Observed: 1 variant allele.
Comment: NTRK2: PP2, BS2

NC_000009.12:g.85095136G>A

Gene: NTRK2 (neurotrophic receptor tyrosine kinase 2; plus strand). Cytogenetic location: 9q21.33.
Variant type: single nucleotide variant.
Genome position: GRCh38 VCF-style: chr9-85095136-G-A. GRCh37 (hg19) VCF-style: chr9-87710051-G-A.
Identifiers: ClinVar variation 3771860 (VCV003771860.13).